The following is an entry in ClinVar:

ClinVar aggregate classification (germline): Uncertain significance (1 of 4 stars; one submission).

Conditions:
Familial thoracic aortic aneurysm and aortic dissection (TAAD). Also called: Thoracic aortic aneurysms and dissections. Identifiers: Orphanet 91387, MedGen C4707243, MONDO:0019625.

Submission:

Color Diagnostics, LLC DBA Color Health
Classification: Uncertain significance for Familial thoracic aortic aneurysm and aortic dissection. Last evaluated: 2025-06-09. Review status: criteria provided, single submitter. Criteria: ACMG Guidelines, 2015. Collection method: clinical testing. Allele origin: germline.
Comment: This missense variant replaces aspartic acid with glutamic acid at codon 624 of the MYH11 protein. Computational prediction suggests that this variant may not impact protein structure and function. To our knowledge, functional studies have not been reported for this variant. This variant has not been reported in individuals affected with MYH11-related disorders in the literature. This variant has not been identified in the general population by the Genome Aggregation Database (gnomAD). The available evidence is insufficient to determine the role of this variant in disease conclusively. Therefore, this variant is classified as a Variant of Uncertain Significance.

NM_002474.3(MYH11):c.1851C>G (p.Asp617Glu)

Gene: MYH11 (myosin heavy chain 11; minus strand). Cytogenetic location: 16p13.11.
Variant type: single nucleotide variant.
Coding change: c.1851C>G on transcript NM_002474.3 (MANE Select); coding-DNA position 1851, C replaced by G.
Protein change: p.Asp617Glu; replaces aspartic acid 617 with glutamic acid.
Molecular consequence: missense variant.
Genome position (GRCh38, 1-based): chr16:15,753,407, G>C on the plus strand (C>G on the coding strand, the complement: MYH11 is on the minus strand). VCF-style: chr16-15753407-G-C. GRCh37 (hg19) VCF-style: chr16-15847264-G-C.
Other names: c.1872C>G, p.Asp624Glu (NM_001040113.2, NM_001040114.2); c.1851C>G, p.Asp617Glu (NM_022844.3); short protein forms D617E, D624E.
Identifiers: ClinVar variation 4756969 (VCV004756969.1).